The following is an entry in ClinVar:

ClinVar aggregate classification (germline): Uncertain significance (1 of 4 stars; one submission).

Allele frequency attached by ClinVar (database versions not stated): gnomAD exomes below 0.00001.
gnomAD v4.1: 2 of 1,614,144 alleles (0.00012%); highest among the groups gnomAD compares: Non-Finnish European, 0.00017%; no homozygotes.

Submission:

Labcorp Genetics (formerly Invitae), Labcorp
Classification: Uncertain significance. Last evaluated: 2022-07-21. Review status: criteria provided, single submitter. Criteria: Invitae Variant Classification Sherloc (09022015). Collection method: clinical testing. Allele origin: germline.
Comment: In summary, the available evidence is currently insufficient to determine the role of this variant in disease. Therefore, it has been classified as a Variant of Uncertain Significance. Algorithms developed to predict the effect of missense changes on protein structure and function are either unavailable or do not agree on the potential impact of this missense change (SIFT: "Deleterious"; PolyPhen-2: "Probably Damaging"; Align-GVGD: "Class C0"). This variant has not been reported in the literature in individuals affected with PRPF8-related conditions. This variant is not present in population databases (gnomAD no frequency). This sequence change replaces arginine, which is basic and polar, with histidine, which is basic and polar, at codon 615 of the PRPF8 protein (p.Arg615His).

NM_006445.4(PRPF8):c.1844G>A (p.Arg615His)

Gene: PRPF8 (pre-mRNA processing factor 8; minus strand). Cytogenetic location: 17p13.3.
Variant type: single nucleotide variant.
Coding change: c.1844G>A on transcript NM_006445.4 (MANE Select); coding-DNA position 1844, G replaced by A.
Protein change: p.Arg615His; replaces arginine 615 with histidine.
Molecular consequence: missense variant.
Genome position (GRCh38, 1-based): chr17:1,678,528, C>T on the plus strand (G>A on the coding strand, the complement: PRPF8 is on the minus strand). VCF-style: chr17-1678528-C-T. GRCh37 (hg19) VCF-style: chr17-1581822-C-T.
Other names: short protein forms R615H.
Identifiers: ClinVar variation 1721363 (VCV001721363.6), dbSNP rs1360316401, ClinGen allele CA397558051.